The following is an entry in ClinVar:

NM_005257.6(GATA6):c.734_754del (p.Gly245_Gly251del)

Gene: GATA6 (GATA binding protein 6; plus strand). Cytogenetic location: 18q11.2.
Variant type: Deletion.
Coding change: c.734_754del on transcript NM_005257.6 (MANE Select); coding-DNA positions 734 to 754, 21 bases deleted (GGGCCGCGGGGCCTGGCGGCG).
Protein change: p.Gly245_Gly251del.
Molecular consequence: inframe deletion.
Genome position (GRCh38, 1-based): chr18:22,171,878-22,171,898, GGGCCGCGGGGCCTGGCGGCG deleted; deleting any 21 consecutive bases within chr18:22,171,869-22,171,898 gives the same sequence; the c. name uses the placement nearest the transcript's 3' end. VCF-style (leftmost placement, unchanged base first): chr18-22171868-GCTGGCGGCGGGGCCGCGGGGC-G. GRCh37 (hg19) VCF-style: chr18-19751829-GCTGGCGGCGGGGCCGCGGGGC-G.
Identifiers: ClinVar variation 2175242 (VCV002175242.4), dbSNP rs1316111445, ClinGen allele CA777598856.
Genomic context (GRCh38, chr18:22,171,868, plus strand): 5'-CACCCCGGCTGGCCTCAGGCCTCGGCCGACAGCCCTCCATACGGCAGCGGAGGCGGCGCG[GCTGGCGGCGGGGCCGCGGGGC>G]CTGGCGGCGCTGGCTCAGCCGCGGCGCACGTCTCGGCGCGCTTCCCCTACTCTCCCAGCC-3'

ClinVar aggregate classification (germline): Uncertain significance (1 of 4 stars; one submission).

Conditions:
Atrioventricular septal defect 5 (AVSD5). Identifiers: MedGen C3280939, MONDO:0013769, OMIM 614474.

Submission:

Labcorp Genetics (formerly Invitae), Labcorp
Classification: Uncertain significance for Atrioventricular septal defect 5. Last evaluated: 2022-09-25. Review status: criteria provided, single submitter. Criteria: Invitae Variant Classification Sherloc (09022015). Collection method: clinical testing. Allele origin: germline.
Comment: Experimental studies and prediction algorithms are not available or were not evaluated, and the functional significance of this variant is currently unknown. This variant has not been reported in the literature in individuals affected with GATA6-related conditions. The frequency data for this variant in the population databases is considered unreliable, as metrics indicate insufficient coverage at this position in the gnomAD database. This variant, c.734_754del, results in the deletion of 7 amino acid(s) of the GATA6 protein (p.Gly245_Gly251del), but otherwise preserves the integrity of the reading frame. In summary, the available evidence is currently insufficient to determine the role of this variant in disease. Therefore, it has been classified as a Variant of Uncertain Significance.